The following is an entry in ClinVar:

ClinVar aggregate classification (germline): Likely benign. Review status: criteria provided, multiple submitters, no conflicts (2 of 4 stars). 2 submissions from 2 submitters: Likely benign (2). Last evaluated 2024-08-01.

Allele frequency attached by ClinVar (database versions not stated): gnomAD 0.00001; gnomAD exomes 0.00001; TOPMed 0.00002; ExAC 0.00003.
gnomAD v4.1: 15 of 1,211,751 alleles (0.0012%); highest among the groups gnomAD compares: Middle Eastern, 0.046%; no homozygotes.

Submissions (2):

CeGaT Center for Human Genetics Tuebingen
Classification: Likely benign. Last evaluated: 2024-08-01. Review status: criteria provided, single submitter. Criteria: CeGaT Center For Human Genetics Tuebingen Variant Classification Criteria Version 2. Collection method: clinical testing. Allele origin: germline. Affected: yes. Observed: 1 variant allele.
Comment: KLHL15: BP4, BP7

Labcorp Genetics (formerly Invitae), Labcorp
Classification: Likely benign. Last evaluated: 2019-12-31. Review status: criteria provided, single submitter. Criteria: Invitae Variant Classification Sherloc (09022015). Collection method: clinical testing. Allele origin: germline.

NM_030624.3(KLHL15):c.417C>G (p.Leu139=)

Gene: KLHL15 (kelch like family member 15; minus strand). Cytogenetic location: Xp22.11.
Variant type: single nucleotide variant.
Coding change: c.417C>G on transcript NM_030624.3 (MANE Select); coding-DNA position 417, C replaced by G.
Protein change: p.Leu139=; no amino-acid change (leucine 139 retained).
Molecular consequence: synonymous variant.
Genome position (GRCh38, 1-based): chrX:24,006,277, G>C on the plus strand (C>G on the coding strand, the complement: KLHL15 is on the minus strand). VCF-style: chrX-24006277-G-C. GRCh37 (hg19) VCF-style: chrX-24024394-G-C.
Identifiers: ClinVar variation 734670 (VCV000734670.20), dbSNP rs773782694, ClinGen allele CA10370573.
Genomic context (GRCh38, chrX:24,006,277, plus strand): 5'-TAGCAGAAAGGTGTCTAACTTCTCCCTGACTCCCTCGATGTTTACGCCGAAATCATCTAA[G>C]AGTCTCATAATTTCTGCACAATTTTCTAGGCAGATCTTCGCTAAGAGAAAAGAGCAGCAG-3'
Protein context (NP_085127.2, residues 129-149): CLENCAEIMR[Leu139=]LDDFGVNIEG